The following is an entry in ClinVar:

NM_022041.4(GAN):c.28C>T (p.Pro10Ser)

Genes: GAN (gigaxonin; plus strand), LOC130059498 (ATAC-STARR-seq lymphoblastoid silent region 7753; plus strand). Cytogenetic location: 16q23.2.
Variant type: single nucleotide variant.
Coding change: c.28C>T on transcript NM_022041.4 (MANE Select); coding-DNA position 28, C replaced by T.
Protein change: p.Pro10Ser; replaces proline 10 with serine.
Molecular consequence: missense variant. On other transcripts: 5 prime UTR variant (1).
Genome position (GRCh38, 1-based): chr16:81,315,141, C>T. VCF-style: chr16-81315141-C-T. GRCh37 (hg19) VCF-style: chr16-81348746-C-T.
Other names: c.-497C>T (NM_001377486.1); short protein forms P10S.
Identifiers: ClinVar variation 1922946 (VCV001922946.5), dbSNP rs1005605682, ClinGen allele CA284264246.

ClinVar aggregate classification (germline): Uncertain significance (1 of 4 stars; one submission).

Conditions:
Giant axonal neuropathy 1 (GAN1). Also called: GIANT AXONAL NEUROPATHY 1, AUTOSOMAL RECESSIVE; GAN-Related Neurodegeneration. Identifiers: Orphanet 643, MedGen C1850386, MONDO:0009749, OMIM 256850.

gnomAD v4.1: 6 of 1,535,982 alleles (0.00039%); highest among the groups gnomAD compares: African/African-American, 0.0014%; no homozygotes.

Submission:

Labcorp Genetics (formerly Invitae), Labcorp
Classification: Uncertain significance for Giant axonal neuropathy 1. Last evaluated: 2023-06-30. Review status: criteria provided, single submitter. Criteria: Invitae Variant Classification Sherloc (09022015). Collection method: clinical testing. Allele origin: germline.
Comment: This sequence change replaces proline, which is neutral and non-polar, with serine, which is neutral and polar, at codon 10 of the GAN protein (p.Pro10Ser). This variant is not present in population databases (gnomAD no frequency). This variant has not been reported in the literature in individuals affected with GAN-related conditions. ClinVar contains an entry for this variant (Variation ID: 1922946). Advanced modeling of protein sequence and biophysical properties (such as structural, functional, and spatial information, amino acid conservation, physicochemical variation, residue mobility, and thermodynamic stability) performed at Invitae indicates that this missense variant is not expected to disrupt GAN protein function. In summary, the available evidence is currently insufficient to determine the role of this variant in disease. Therefore, it has been classified as a Variant of Uncertain Significance.